The following is an entry in ClinVar:

NM_001123385.2(BCOR):c.3437_3445del (p.Glu1146_Thr1148del)

Gene: BCOR (BCL6 corepressor; minus strand). Cytogenetic location: Xp11.4.
Variant type: Deletion.
Coding change: c.3437_3445del on transcript NM_001123385.2 (MANE Select); coding-DNA positions 3437 to 3445, 9 bases deleted (AGACCACTG; older notation c.3437_3445delAGACCACTG).
Protein change: p.Glu1146_Thr1148del.
Molecular consequence: inframe deletion. On other transcripts: inframe indel (1).
Genome position (GRCh38, 1-based): chrX:40,064,393-40,064,401, CAGTGGTCT deleted on the plus strand (AGACCACTG on the coding strand, the reverse complement: BCOR is on the minus strand); deleting any 9 consecutive bases within chrX:40,064,393-40,064,406 gives the same sequence; the c. name uses the placement nearest the transcript's 3' end. VCF-style (leftmost placement, unchanged base first): chrX-40064392-GCAGTGGTCT-G. GRCh37 (hg19) VCF-style: chrX-39923645-GCAGTGGTCT-G.
Other names: c.3432_3440delCACTGAGAC, p.Glu1146_Thr1148del (NM_001123383.2); c.3383_3391del, p.Glu1128_Thr1130del (NM_001123384.2); c.3437_3445del, p.Glu1146_Thr1148del (NM_017745.6).
Identifiers: ClinVar variation 522683 (VCV000522683.5), dbSNP rs1555915744, ClinGen allele CA658799718.
Genomic context (GRCh38, chrX:40,064,392, plus strand): 5'-TCACCTTTAGAGACTCGTCGGCGTTTGGCTTTCAGCAGAGGGTCCTCTGGCACCTCCTCC[GCAGTGGTCT>G]CAGTGTGGCTGCTGTCACCTGAGACTTTGCGTTTCCTGTCCACCCGGAGGGTGGGGCTGT-3'

ClinVar aggregate classification (germline): Conflicting classifications of pathogenicity. Review status: criteria provided, conflicting classifications (1 of 4 stars). 2 submissions from 2 submitters: Likely pathogenic (1); Uncertain significance (1). Last evaluated 2026-09-15.

Conditions:
Fetal anomalies with a likely genetic cause.
Oculofaciocardiodental syndrome (MCOPS2). Identifiers: Orphanet 2712, MedGen C1846265, MONDO:0010261, OMIM 300166.

Submissions (2):

Genetics Laboratory, Great Ormond Street Hospital NHS Foundation Trust, North Thames Genomic Laboratory Hub
Classification: Uncertain significance for Fetal anomalies with a likely genetic cause. Last evaluated: 2026-09-15. Review status: criteria provided, single submitter. Criteria: ACGS Best Practice Guidelines for Variant Classification in Rare Disease 2024 v1.2. Collection method: clinical testing. Allele origin: germline. Affected: yes.
Comment: PM2_moderate, PM4_moderate

Genomic Research Center, Shahid Beheshti University of Medical Sciences
Classification: Likely pathogenic for Oculofaciocardiodental syndrome. Last evaluated: 2017-12-03. Review status: criteria provided, single submitter. Criteria: ACMG Guidelines, 2015. Collection method: clinical testing. Allele origin: inherited. Affected: yes.